The following is an entry in ClinVar:

ClinVar aggregate classification (germline): Uncertain significance (1 of 4 stars; one submission).

gnomAD v4.1: 4 of 1,613,886 alleles (0.00025%); highest among the groups gnomAD compares: Non-Finnish European, 0.00034%; no homozygotes.

Submission:

Labcorp Genetics (formerly Invitae), Labcorp
Classification: Uncertain significance. Last evaluated: 2025-10-09. Review status: criteria provided, single submitter. Criteria: Invitae Variant Classification Sherloc (09022015). Collection method: clinical testing. Allele origin: germline.
Comment: This sequence change replaces histidine, which is basic and polar, with arginine, which is basic and polar, at codon 915 of the NRIP1 protein (p.His915Arg). This variant is not present in population databases (gnomAD no frequency). This variant has not been reported in the literature in individuals affected with NRIP1-related conditions. An algorithm developed to predict the effect of missense changes on protein structure and function (PolyPhen-2) suggests that this variant is likely to be tolerated. In summary, the available evidence is currently insufficient to determine the role of this variant in disease. Therefore, it has been classified as a Variant of Uncertain Significance.

NM_003489.4(NRIP1):c.2744A>G (p.His915Arg)

Gene: NRIP1 (nuclear receptor interacting protein 1; minus strand). Cytogenetic location: 21q11.2.
Variant type: single nucleotide variant.
Coding change: c.2744A>G on transcript NM_003489.4 (MANE Select); coding-DNA position 2744, A replaced by G.
Protein change: p.His915Arg; replaces histidine 915 with arginine.
Molecular consequence: missense variant.
Genome position (GRCh38, 1-based): chr21:14,965,449, T>C on the plus strand (A>G on the coding strand, the complement: NRIP1 is on the minus strand). VCF-style: chr21-14965449-T-C. GRCh37 (hg19) VCF-style: chr21-16337770-T-C.
Other names: c.2744A>G, p.His915Arg (NM_001439275.1, NM_001439276.1, NM_001439277.1 and 10 more transcripts); short protein forms H915R.
Identifiers: ClinVar variation 4760367 (VCV004760367.1).